The following is an entry in ClinVar:

ClinVar aggregate classification (germline): Uncertain significance. Review status: criteria provided, multiple submitters, no conflicts (2 of 4 stars). 4 submissions from 4 submitters: Uncertain significance (4). Last evaluated 2024-09-19.

Conditions:
Cardiovascular phenotype. Identifiers: MedGen CN230736.
Brugada syndrome 8 (BRGDA8). Identifiers: Orphanet 130, MedGen C2751083, MONDO:0013148, OMIM 613123.

Allele frequency attached by ClinVar (database versions not stated): gnomAD exomes below 0.00001; gnomAD 0.00001; TOPMed 0.00001.
gnomAD v4.1: 9 of 1,613,936 alleles (0.00056%); highest among the groups gnomAD compares: African/African-American, 0.0027%; no homozygotes.

Submissions (4):

Women's Health and Genetics/Laboratory Corporation of America, LabCorp
Classification: Uncertain significance. Last evaluated: 2024-09-19. Review status: criteria provided, single submitter. Criteria: LabCorp Variant Classification Summary - May 2015. Collection method: clinical testing. Allele origin: germline.
Comment: Variant summary: HCN4 c.1748A>G (p.Asn583Ser) results in a conservative amino acid change in the encoded protein sequence. Three of five in-silico tools predict a damaging effect of the variant on protein function. The variant was absent in 251348 control chromosomes. The available data on variant occurrences in the general population are insufficient to allow any conclusion about variant significance. c.1748A>G has been reported in the literature in individuals affected with Arrhythmogenic Cardiomyopathy (Mazzaccara_2022). These report(s) do not provide unequivocal conclusions about association of the variant with Sick Sinus Syndrome 2. To our knowledge, no experimental evidence demonstrating an impact on protein function has been reported. The following publication have been ascertained in the context of this evaluation (PMID: 36291626). ClinVar contains an entry for this variant (Variation ID: 856019). Based on the evidence outlined above, the variant was classified as uncertain significance.

GeneDx
Classification: Uncertain significance. Last evaluated: 2024-04-10. Review status: criteria provided, single submitter. Criteria: GeneDx Variant Classification Process June 2021. Collection method: clinical testing. Allele origin: germline. Affected: yes.
Comment: Not observed at significant frequency in large population cohorts (gnomAD); In silico analysis supports that this missense variant has a deleterious effect on protein structure/function; Identified in a cohort of patients with cardiomyopathies and arrhythmias (PMID: 36291626); This variant is associated with the following publications: (PMID: 36291626)

Labcorp Genetics (formerly Invitae), Labcorp
Classification: Uncertain significance for Brugada syndrome 8. Last evaluated: 2024-04-08. Review status: criteria provided, single submitter. Criteria: Invitae Variant Classification Sherloc (09022015). Collection method: clinical testing. Allele origin: germline.
Comment: This sequence change replaces asparagine, which is neutral and polar, with serine, which is neutral and polar, at codon 583 of the HCN4 protein (p.Asn583Ser). This variant is not present in population databases (gnomAD no frequency). This variant has not been reported in the literature in individuals affected with HCN4-related conditions. ClinVar contains an entry for this variant (Variation ID: 856019). Advanced modeling of protein sequence and biophysical properties (such as structural, functional, and spatial information, amino acid conservation, physicochemical variation, residue mobility, and thermodynamic stability) performed at Invitae indicates that this missense variant is not expected to disrupt HCN4 protein function with a negative predictive value of 80%. In summary, the available evidence is currently insufficient to determine the role of this variant in disease. Therefore, it has been classified as a Variant of Uncertain Significance.

Ambry Genetics
Classification: Uncertain significance for Cardiovascular phenotype. Last evaluated: 2022-04-06. Review status: criteria provided, single submitter. Criteria: Ambry Variant Classification Scheme 2023. Collection method: clinical testing. Allele origin: germline.
Comment: The p.N583S variant (also known as c.1748A>G), located in coding exon 6 of the HCN4 gene, results from an A to G substitution at nucleotide position 1748. The asparagine at codon 583 is replaced by serine, an amino acid with highly similar properties. This amino acid position is conserved. In addition, the in silico prediction for this alteration is inconclusive. Since supporting evidence is limited at this time, the clinical significance of this alteration remains unclear.

Literature cited by the submitters: PubMed 36291626 (cited by Women's Health and Genetics/Laboratory Corporation of America, LabCorp).

NM_005477.3(HCN4):c.1748A>G (p.Asn583Ser)

Gene: HCN4 (hyperpolarization activated cyclic nucleotide gated potassium channel 4; minus strand). Cytogenetic location: 15q24.1.
Variant type: single nucleotide variant.
Coding change: c.1748A>G on transcript NM_005477.3 (MANE Select); coding-DNA position 1748, A replaced by G.
Protein change: p.Asn583Ser; replaces asparagine 583 with serine.
Molecular consequence: missense variant.
Genome position (GRCh38, 1-based): chr15:73,325,185, T>C on the plus strand (A>G on the coding strand, the complement: HCN4 is on the minus strand). VCF-style: chr15-73325185-T-C. GRCh37 (hg19) VCF-style: chr15-73617526-T-C.
Other names: short protein forms N583S.
Identifiers: ClinVar variation 856019 (VCV000856019.12), dbSNP rs1204195890, ClinGen allele CA393091118.
Genomic context (GRCh38, chr15:73,325,185, plus strand): 5'-AAGTTGGGGTCCGCATTGGCAAACAGTGGCATGGAGGCCACCAGCTTCCGACAGTTAAAG[T>C]TGATGATCTCCTGCCGGACAGGGTGGATTGGGACACGGGAAGGAGGTGGTGAGGGGAGCT-3'
Protein context (NP_005468.1, residues 573-593): LSEPLREEII[Asn583Ser]FNCRKLVASM